The following is an entry in ClinVar:

NM_015599.3(PGM3):c.473C>G (p.Thr158Arg)

Gene: PGM3 (phosphoglucomutase 3; minus strand). Cytogenetic location: 6q14.1.
Variant type: single nucleotide variant.
Coding change: c.473C>G on transcript NM_015599.3 (MANE Select); coding-DNA position 473, C replaced by G.
Protein change: p.Thr158Arg; replaces threonine 158 with arginine.
Molecular consequence: missense variant. On other transcripts: non-coding transcript variant (1).
Genome position (GRCh38, 1-based): chr6:83,182,963, G>C on the plus strand (C>G on the coding strand, the complement: PGM3 is on the minus strand). VCF-style: chr6-83182963-G-C. GRCh37 (hg19) VCF-style: chr6-83892682-G-C.
Other names: c.557C>G, p.Thr186Arg (NM_001199917.2, NM_001367287.1); c.230C>G, p.Thr77Arg (NM_001199918.2); c.473C>G, p.Thr158Arg (NM_001199919.2, NM_001367286.1); short protein forms T186R, T158R, T77R.
Identifiers: ClinVar variation 1515941 (VCV001515941.8), dbSNP rs760200977, ClinGen allele CA3906765.

ClinVar aggregate classification (germline): Uncertain significance (1 of 4 stars; one submission).

Conditions:
Immunodeficiency 23 (IMD23). Also called: IMMUNODEFICIENCY WITH HYPER IgE AND COGNITIVE IMPAIRMENT; IMMUNODEFICIENCY-VASCULITIS-MYOCLONUS SYNDROME. Identifiers: Orphanet 443811, MedGen C4014371, MONDO:0014353, OMIM 615816.

gnomAD v4.1: 1 of 1,610,190 alleles (0.000062%); highest among the groups gnomAD compares: Non-Finnish European, 0.000085%; no homozygotes.

Submission:

Labcorp Genetics (formerly Invitae), Labcorp
Classification: Uncertain significance for Immunodeficiency 23. Last evaluated: 2021-03-11. Review status: criteria provided, single submitter. Criteria: Invitae Variant Classification Sherloc (09022015). Collection method: clinical testing. Allele origin: germline.
Comment: This variant has not been reported in the literature in individuals with PGM3-related conditions. The frequency data for this variant in the population databases is considered unreliable, as metrics indicate poor data quality at this position in the ExAC database. Algorithms developed to predict the effect of missense changes on protein structure and function are either unavailable or do not agree on the potential impact of this missense change (SIFT: "Deleterious"; PolyPhen-2: "Possibly Damaging"; Align-GVGD: "Class C15"). In summary, the available evidence is currently insufficient to determine the role of this variant in disease. Therefore, it has been classified as a Variant of Uncertain Significance. This sequence change replaces threonine with arginine at codon 186 of the PGM3 protein (p.Thr186Arg). The threonine residue is highly conserved and there is a moderate physicochemical difference between threonine and arginine.